The following is an entry in ClinVar:

NC_000019.10:g.17335001C>T

Gene: GTPBP3 (GTP binding protein 3, mitochondrial; plus strand). Cytogenetic location: 19p13.11.
Variant type: single nucleotide variant.
Molecular consequence: 5 prime UTR variant (on NM_001195422.1).
Genome position: GRCh38 VCF-style: chr19-17335001-C-T. GRCh37 (hg19) VCF-style: chr19-17445810-C-T.
Other names: c.-3C>T (NM_001195422.1).
Identifiers: ClinVar variation 3035017 (VCV003035017.2), dbSNP rs748447873, ClinGen allele CA306059399.
Genomic context (GRCh38, chr19:17,335,001, plus strand): 5'-GTTTTCTGGGTTTCCTTCTCGCCCGCCTACCTCGCTCCCTGCTGCTGGTCCCCGCCCGCA[C>T]TGATGGTGCATTCTCCAACTTGTCCCCACCCATGCTTTCTTCTGGTCCCCGCCTCGGAGC-3'

ClinVar aggregate classification (germline): Likely benign (0 of 4 stars; one submission).

Conditions:
GTPBP3-related disorder. Also called: GTPBP3-related condition.

Allele frequency attached by ClinVar (database versions not stated): gnomAD 0.00003.
gnomAD v4.1: 318 of 1,535,802 alleles (0.021%); highest among the groups gnomAD compares: Non-Finnish European, 0.027%; no homozygotes.

Submission:

PreventionGenetics, part of Exact Sciences
Classification: Likely benign for GTPBP3-related condition. Last evaluated: 2019-07-30. Review status: no assertion criteria provided. Collection method: clinical testing. Allele origin: germline.
Comment: This variant is classified as likely benign based on ACMG/AMP sequence variant interpretation guidelines (Richards et al. 2015 PMID: 25741868, with internal and published modifications).